The following is an entry in ClinVar:

ClinVar aggregate classification (germline): Uncertain significance (1 of 4 stars; one submission).

Allele frequency attached by ClinVar (database versions not stated): gnomAD 0.00005; TOPMed 0.00015; 1000 Genomes Project 30x 0.00016; ExAC 0.00016; 1000 Genomes Project 0.00020.
gnomAD v4.1: 86 of 1,613,664 alleles (0.0053%); highest among the groups gnomAD compares: East Asian, 0.11%; 2 homozygotes.

Submission:

Labcorp Genetics (formerly Invitae), Labcorp
Classification: Uncertain significance. Last evaluated: 2024-04-22. Review status: criteria provided, single submitter. Criteria: Invitae Variant Classification Sherloc (09022015). Collection method: clinical testing. Allele origin: germline.
Comment: This sequence change replaces arginine, which is basic and polar, with tryptophan, which is neutral and slightly polar, at codon 491 of the FRAS1 protein (p.Arg491Trp). This variant is present in population databases (rs368858515, gnomAD 0.2%), including at least one homozygous and/or hemizygous individual. This variant has not been reported in the literature in individuals affected with FRAS1-related conditions. ClinVar contains an entry for this variant (Variation ID: 2420166). An algorithm developed to predict the effect of missense changes on protein structure and function (PolyPhen-2) suggests that this variant is likely to be disruptive. In summary, the available evidence is currently insufficient to determine the role of this variant in disease. Therefore, it has been classified as a Variant of Uncertain Significance.

NM_025074.7(FRAS1):c.1471C>T (p.Arg491Trp)

Gene: FRAS1 (Fraser extracellular matrix complex subunit 1; plus strand). Cytogenetic location: 4q21.21.
Variant type: single nucleotide variant.
Coding change: c.1471C>T on transcript NM_025074.7 (MANE Select); coding-DNA position 1471, C replaced by T.
Protein change: p.Arg491Trp; replaces arginine 491 with tryptophan.
Molecular consequence: missense variant.
Genome position (GRCh38, 1-based): chr4:78,286,476, C>T. VCF-style: chr4-78286476-C-T. GRCh37 (hg19) VCF-style: chr4-79207630-C-T.
Other names: c.1471C>T, p.Arg491Trp (NM_001166133.2); short protein forms R491W.
Identifiers: ClinVar variation 2420166 (VCV002420166.4), dbSNP rs368858515, ClinGen allele CA2976307.